The following is an entry in ClinVar:

NM_005045.4(RELN):c.8085C>T (p.Ile2695=)

Gene: RELN (reelin; minus strand). Cytogenetic location: 7q22.1.
Variant type: single nucleotide variant.
Coding change: c.8085C>T on transcript NM_005045.4 (MANE Select); coding-DNA position 8085, C replaced by T.
Protein change: p.Ile2695=; no amino-acid change (isoleucine 2695 retained).
Molecular consequence: synonymous variant.
Genome position (GRCh38, 1-based): chr7:103,515,219, G>A on the plus strand (C>T on the coding strand, the complement: RELN is on the minus strand). VCF-style: chr7-103515219-G-A. GRCh37 (hg19) VCF-style: chr7-103155666-G-A.
Other names: c.8085C>T, p.Ile2695= (NM_173054.3).
Identifiers: ClinVar variation 513353 (VCV000513353.34), dbSNP rs138241126, ClinGen allele CA4420564.

ClinVar aggregate classification (germline): Likely benign. Review status: criteria provided, multiple submitters, no conflicts (2 of 4 stars). 4 submissions from 4 submitters: Likely benign (4). Last evaluated 2024-11-18.

Conditions:
Norman-Roberts syndrome (LIS2). Also called: Lissencephaly 2 (Norman-Roberts type). Identifiers: Orphanet 89844, MedGen C0796089, MONDO:0009760, OMIM 257320.
Familial temporal lobe epilepsy 7. Identifiers: Orphanet 101046, MedGen C4225327, MONDO:0014639, OMIM 616436.

Allele frequency attached by ClinVar (database versions not stated): gnomAD exomes 0.00001 and 0.00003; ExAC 0.00002; gnomAD 0.00002 and 0.00003; TOPMed 0.00002; ESP Exome Variant Server 0.00008.
gnomAD v4.1: 45 of 1,614,046 alleles (0.0028%); highest among the groups gnomAD compares: Non-Finnish European, 0.0036%; no homozygotes.

Submissions (4):

Labcorp Genetics (formerly Invitae), Labcorp
Classification: Likely benign for Familial temporal lobe epilepsy 7; Norman-Roberts syndrome. Last evaluated: 2024-11-18. Review status: criteria provided, single submitter. Criteria: Invitae Variant Classification Sherloc (09022015). Collection method: clinical testing. Allele origin: germline.

Blueprint Genetics
Classification: Likely benign. Last evaluated: 2024-11-05. Review status: criteria provided, single submitter. Criteria: ACMG Guidelines, 2015. Collection method: clinical testing. Allele origin: germline.

CeGaT Center for Human Genetics Tuebingen
Classification: Likely benign. Last evaluated: 2023-08-01. Review status: criteria provided, single submitter. Criteria: CeGaT Center For Human Genetics Tuebingen Variant Classification Criteria Version 2. Collection method: clinical testing. Allele origin: germline. Affected: yes. Observed: 1 variant allele.
Comment: RELN: BP4, BP7

GeneDx
Classification: Likely benign. Last evaluated: 2017-11-10. Review status: criteria provided, single submitter. Criteria: GeneDx Variant Classification (06012015). Collection method: clinical testing. Allele origin: germline. Affected: yes.
Comment: This variant is considered likely benign or benign based on one or more of the following criteria: it is a conservative change, it occurs at a poorly conserved position in the protein, it is predicted to be benign by multiple in silico algorithms, and/or has population frequency not consistent with disease.